The following is an entry in ClinVar:

NM_000255.4(MMUT):c.1108A>C (p.Thr370Pro)

Gene: MMUT (methylmalonyl-CoA mutase; minus strand). Cytogenetic location: 6p12.3.
Variant type: single nucleotide variant.
Coding change: c.1108A>C on transcript NM_000255.4 (MANE Select); coding-DNA position 1108, A replaced by C.
Protein change: p.Thr370Pro; replaces threonine 370 with proline.
Molecular consequence: missense variant.
Genome position (GRCh38, 1-based): chr6:49,451,690, T>G on the plus strand (A>C on the coding strand, the complement: MMUT is on the minus strand). VCF-style: chr6-49451690-T-G. GRCh37 (hg19) VCF-style: chr6-49419403-T-G.
Other names: p.T370P:ACT>CCT; short protein forms T370P.
Identifiers: ClinVar variation 203847 (VCV000203847.13), dbSNP rs368790885, ClinGen allele CA312765.

ClinVar aggregate classification (germline): Pathogenic/Likely pathogenic. Review status: criteria provided, multiple submitters, no conflicts (2 of 4 stars). 5 submissions from 5 submitters: Pathogenic (1); Likely pathogenic (4). Last evaluated 2025-12-23.

Conditions:
Methylmalonic aciduria due to complete methylmalonyl-CoA mutase deficiency.

Allele frequency attached by ClinVar (database versions not stated): ExAC 0.00002; gnomAD 0.00001; TOPMed 0.00003; ESP Exome Variant Server 0.00008; gnomAD exomes below 0.00001.

Submissions (5):

Natera, Inc.
Classification: Likely pathogenic for Methylmalonic aciduria due to complete methylmalonyl-CoA mutase deficiency. Last evaluated: 2025-12-23. Review status: criteria provided, single submitter. Criteria: Natera Variant Classification Schema (03/2026). Collection method: clinical testing. Allele origin: germline.
Comment: The c.1108A>C variant in MMUT is a missense variant predicted to cause substitution of threonine to proline at amino acid 370. This variant is rare in the general population with a frequency below the threshold expected for the associated phenotype(s). This variant has been observed in one or more individuals affected with the associated recessive disease, as either homozygous or compound heterozygous with a second variant (PMID: 33820958, 16281286, 16281286). Computational prediction algorithms indicate this variant is likely to affect gene or protein function. Given the available evidence, this variant is classified as Likely Pathogenic.

Labcorp Genetics (formerly Invitae), Labcorp
Classification: Pathogenic. Last evaluated: 2024-01-28. Review status: criteria provided, single submitter. Criteria: Invitae Variant Classification Sherloc (09022015). Collection method: clinical testing. Allele origin: germline.
Comment: This sequence change replaces threonine, which is neutral and polar, with proline, which is neutral and non-polar, at codon 370 of the MUT protein (p.Thr370Pro). This variant is present in population databases (rs368790885, gnomAD 0.01%). This missense change has been observed in individual(s) with methylmalonic aciduria (PMID: 16281286; Invitae). ClinVar contains an entry for this variant (Variation ID: 203847). Advanced modeling of protein sequence and biophysical properties (such as structural, functional, and spatial information, amino acid conservation, physicochemical variation, residue mobility, and thermodynamic stability) performed at Invitae indicates that this missense variant is expected to disrupt MUT protein function with a positive predictive value of 95%. For these reasons, this variant has been classified as Pathogenic.

Genetic Services Laboratory, University of Chicago
Classification: Likely pathogenic. Last evaluated: 2023-03-24. Review status: criteria provided, single submitter. Criteria: ACMG Guidelines, 2015. Collection method: clinical testing. Allele origin: germline. Affected: yes.
Comment: DNA sequence analysis of the MMUT gene demonstrated a sequence change, c.1108A>C, in exon 6 that results in an amino acid change, p.Thr370Pro. The p.Thr370Pro change affects a highly conserved amino acid residue located in a domain of the MMUT protein that is not known to be functional. In-silico pathogenicity prediction tools (SIFT, PolyPhen2, Align GVGD, REVEL) provide contradictory results for the p.Thr370Pro substitution. This amino acid change has been described in the literature in individuals with methylmalonic aciduria (PMID: 16281286). This sequence change has been described in the gnomAD database with a frequency of 0.008% in the African American subpopulation (dbSNP rs368790885). Collectively, this evidence indicates that this sequence change is likely pathogenic, however functional studies have not been performed to prove this conclusively.

GeneDx
Classification: Likely pathogenic. Last evaluated: 2017-04-11. Review status: criteria provided, single submitter. Criteria: GeneDx Variant Classification (06012015). Collection method: clinical testing. Allele origin: germline. Affected: yes.
Comment: The T370P missense variant in the MUT gene has been reported previously in association with methylmalonic acidemia (MMA) (Worgan et al., 2006). The T370P variant was identified on 2/58 (3.4%) MUT alleles in patients of African ancestry with MMA (Worgan et al., 2006). Based on currently available evidence, T370P is a strong candidate for a pathogenic variant. However, the possibility it is a rare benign variant cannot be excluded.

Eurofins Ntd Llc (ga)
Classification: Likely pathogenic. Last evaluated: 2015-11-25. Review status: criteria provided, single submitter. Criteria: EGL Classification Definitions 2015. Collection method: clinical testing. Allele origin: germline. Observed: 1 variant allele, 1 heterozygote.

Literature cited by the submitters: PubMed 33820958 (cited by Natera, Inc.); PubMed 16281286 (cited by 3 submitters); PubMed 25087612 (cited by Eurofins Ntd Llc (ga)).